The following is an entry in ClinVar:

ClinVar aggregate classification (germline): Pathogenic. Review status: reviewed by expert panel (3 of 4 stars). 3 submissions from 3 submitters: Pathogenic (1). 2 of the submissions do not count toward it. Last evaluated 2020-04-06.

Conditions:
Glycogen storage disease, type II (IOPD). Also called: CARDIOMEGALIA GLYCOGENICA DIFFUSA; GLYCOGENOSIS, GENERALIZED, CARDIAC FORM; GSD II; Pompe Disease; Glycogen storage disease type 2; Acid maltase deficiency disease. Identifiers: Orphanet 365, MedGen C0017921, MONDO:0009290, OMIM 232300.

Submissions (3):

ClinGen Lysosomal Storage Disorder Variant Curation Expert Panel
Classification: Pathogenic for Glycogen storage disease, type II. Last evaluated: 2020-04-06. Review status: reviewed by expert panel. Criteria: ClinGen LSD ACMG Specifications v1. Collection method: curation. Allele origin: germline. Inheritance: Autosomal recessive inheritance.
Comment: This variant, c.1156C>T (p.Gln386Ter), is a nonsense variant that is predicted to result in nonsense mediated decay and lack of gene product, meeting PVS1. This variant is absent in gnomAD v2.1.1, meeting PM3. This patient is compound heterozygous for the variant and c.1857C>G (p.Ser619Arg). This in trans data has been used in the assessment of p.Ser619Arg and was not be included here to avoid circular logic. There is a ClinVar entry for this variant (Variation ID: 188858; 1 star review status) with one submitter classifying the variant as likely pathogenic. In summary, this variant meets criteria to be classified as pathogenic for Pompe disease. ACMG/AMP criteria met, as specified by the ClinGen LSD VCEP: PVS1, PM2, PP4.

Genomenon, Inc
Classification: Pathogenic for Glycogen storage disease, type II. Last evaluated: 2026-07-01. Review status: criteria provided, single submitter. Criteria: Genomenon Sequence Variant Interpretation Standards - Updated. Collection method: curation. Allele origin: germline. Affected: yes. Not counted in ClinVar's aggregate classification.
Comment: GAA p.Gln386Ter (c.1156C>T) is a nonsense variant that introduces a premature stop codon at amino acid position 386 and is predicted to result in a truncated or absent protein product. This variant has been observed in at least one proband with a GAA-related disorder (PMID:30360039;23884227). It is absent or not present at a significant frequency in gnomAD. In conclusion, we classify GAA p.Gln386Ter (c.1156C>T) as a pathogenic variant.

Counsyl
Classification: Likely pathogenic for Glycogen storage disease, type II. Last evaluated: 2014-06-30. Review status: no assertion criteria provided. Collection method: literature only. Allele origin: unknown. Inheritance: Autosomal recessive inheritance. Not counted in ClinVar's aggregate classification.

Literature cited by the submitters: PubMed 23884227 (cited by 3 submitters); PubMed 30360039 (cited by Genomenon, Inc).

NM_000152.5(GAA):c.1156C>T (p.Gln386Ter)

Gene: GAA (alpha glucosidase; plus strand). Cytogenetic location: 17q25.3.
Variant type: single nucleotide variant.
Coding change: c.1156C>T on transcript NM_000152.5 (MANE Select); coding-DNA position 1156, C replaced by T.
Protein change: p.Gln386Ter; replaces glutamine 386 with a stop codon.
Molecular consequence: nonsense.
Genome position (GRCh38, 1-based): chr17:80,108,569, C>T. VCF-style: chr17-80108569-C-T. GRCh37 (hg19) VCF-style: chr17-78082368-C-T.
Other names: c.1156C>T (LRG_673t1); c.1156C>T, p.Gln386Ter (NM_001079803.3, NM_001079804.3); short protein forms Q386*.
Identifiers: ClinVar variation 188858 (VCV000188858.8), dbSNP rs786204517, ClinGen allele CA274049.